The following is an entry in ClinVar:

ClinVar aggregate classification (germline): Benign. Review status: criteria provided, multiple submitters, no conflicts (2 of 4 stars). 3 submissions from 3 submitters: Benign (2). 1 of the submissions does not count toward it. Last evaluated 2019-12-31.

Conditions:
CUX2-related disorder. Also called: CUX2-related condition.

Allele frequency attached by ClinVar (database versions not stated): gnomAD exomes 0.00104 and 0.00287; ExAC 0.00387; ESP Exome Variant Server 0.01025; gnomAD 0.01200 and 0.01287; TOPMed 0.01302; 1000 Genomes Project 30x 0.01327; 1000 Genomes Project 0.01338.
gnomAD v4.1: 3,366 of 1,594,840 alleles (0.21%); highest among the groups gnomAD compares: African/African-American, 4.1%; 57 homozygotes.

Submissions (3):

Labcorp Genetics (formerly Invitae), Labcorp
Classification: Benign. Last evaluated: 2019-12-31. Review status: criteria provided, single submitter. Criteria: Invitae Variant Classification Sherloc (09022015). Collection method: clinical testing. Allele origin: germline.

Breakthrough Genomics
Classification: Benign. Review status: criteria provided, single submitter. Criteria: ACMG Guidelines, 2015. Collection method: not provided. Allele origin: germline. Inheritance: Autosomal dominant inheritance. Affected: yes.

PreventionGenetics, part of Exact Sciences
Classification: Benign for CUX2-related condition. Last evaluated: 2019-02-19. Review status: no assertion criteria provided. Collection method: clinical testing. Allele origin: germline. Not counted in ClinVar's aggregate classification.
Comment: This variant is classified as benign based on ACMG/AMP sequence variant interpretation guidelines (Richards et al. 2015 PMID: 25741868, with internal and published modifications).

NM_015267.4(CUX2):c.2270C>T (p.Ala757Val)

Gene: CUX2 (cut like homeobox 2; plus strand). Cytogenetic location: 12q24.12.
Variant type: single nucleotide variant.
Coding change: c.2270C>T on transcript NM_015267.4 (MANE Select); coding-DNA position 2270, C replaced by T.
Protein change: p.Ala757Val; replaces alanine 757 with valine.
Molecular consequence: missense variant.
Genome position (GRCh38, 1-based): chr12:111,320,279, C>T. VCF-style: chr12-111320279-C-T. GRCh37 (hg19) VCF-style: chr12-111758083-C-T.
Other names: c.2084C>T, p.Ala695Val (NM_001370598.1); short protein forms A757V, A695V.
Identifiers: ClinVar variation 768583 (VCV000768583.7), dbSNP rs114719470, ClinGen allele CA6788830.